The following is an entry in ClinVar:

ClinVar aggregate classification (germline): Uncertain significance (1 of 4 stars; one submission).

Allele frequency attached by ClinVar (database versions not stated): ExAC 0.00003; gnomAD 0.00003; TOPMed 0.00004; gnomAD exomes 0.00010.
gnomAD v4.1: 148 of 1,613,826 alleles (0.0092%); highest among the groups gnomAD compares: Non-Finnish European, 0.012%; no homozygotes.

Submission:

Labcorp Genetics (formerly Invitae), Labcorp
Classification: Uncertain significance. Last evaluated: 2025-05-09. Review status: criteria provided, single submitter. Criteria: Invitae Variant Classification Sherloc (09022015). Collection method: clinical testing. Allele origin: germline.
Comment: This sequence change replaces valine, which is neutral and non-polar, with alanine, which is neutral and non-polar, at codon 613 of the DSCAML1 protein (p.Val613Ala). This variant is present in population databases (rs763481597, gnomAD 0.008%). This variant has not been reported in the literature in individuals affected with DSCAML1-related conditions. ClinVar contains an entry for this variant (Variation ID: 2186679). An algorithm developed to predict the effect of missense changes on protein structure and function (PolyPhen-2) suggests that this variant is likely to be tolerated. In summary, the available evidence is currently insufficient to determine the role of this variant in disease. Therefore, it has been classified as a Variant of Uncertain Significance.

NM_020693.4(DSCAML1):c.1658T>C (p.Val553Ala)

Gene: DSCAML1 (DS cell adhesion molecule like 1; minus strand). Cytogenetic location: 11q23.3.
Variant type: single nucleotide variant.
Coding change: c.1658T>C on transcript NM_020693.4 (MANE Select); coding-DNA position 1658, T replaced by C.
Protein change: p.Val553Ala; replaces valine 553 with alanine.
Molecular consequence: missense variant.
Genome position (GRCh38, 1-based): chr11:117,516,592, A>G on the plus strand (T>C on the coding strand, the complement: DSCAML1 is on the minus strand). VCF-style: chr11-117516592-A-G. GRCh37 (hg19) VCF-style: chr11-117387307-A-G.
Other names: c.1658T>C, p.Val553Ala (NM_001367904.1); short protein forms V553A.
Identifiers: ClinVar variation 2186679 (VCV002186679.4), dbSNP rs763481597, ClinGen allele CA6297206.